The following is an entry in ClinVar:

NM_002335.4(LRP5):c.4016A>G (p.Asn1339Ser)

Gene: LRP5 (LDL receptor related protein 5; plus strand). Cytogenetic location: 11q13.2.
Variant type: single nucleotide variant.
Coding change: c.4016A>G on transcript NM_002335.4 (MANE Select); coding-DNA position 4016, A replaced by G.
Protein change: p.Asn1339Ser; replaces asparagine 1339 with serine.
Molecular consequence: missense variant.
Genome position (GRCh38, 1-based): chr11:68,436,904, A>G. VCF-style: chr11-68436904-A-G. GRCh37 (hg19) VCF-style: chr11-68204372-A-G.
Other names: c.2273A>G, p.Asn758Ser (NM_001291902.2); c.4016A>G (NM_002335.2); short protein forms N1339S, N758S.
Identifiers: ClinVar variation 955027 (VCV000955027.10), dbSNP rs142001526, ClinGen allele CA6150207.

ClinVar aggregate classification (germline): Uncertain significance. Review status: criteria provided, multiple submitters, no conflicts (2 of 4 stars). 4 submissions from 4 submitters: Uncertain significance (4). Last evaluated 2026-08-24.

Conditions:
LRP5-related disorder. Also called: LRP5-related condition.
Inborn genetic diseases. Identifiers: MedGen C0950123, MeSH D030342.
Osteoporosis. Identifiers: MedGen C0029456, MONDO:0005298, OMIM 166710, HP:0000939.
Autosomal dominant osteopetrosis 1 (OPTA1). Also called: OSTEOPETROSIS, AUTOSOMAL DOMINANT, TYPE I. Identifiers: Orphanet 2783, MedGen C1843330, MONDO:0011877, OMIM 607634.
Worth disease. Also called: ENDOSTEAL HYPEROSTOSIS, AUTOSOMAL DOMINANT; OSTEOSCLEROSIS, AUTOSOMAL DOMINANT; Autosomal dominant osteosclerosis, Worth type. Identifiers: Orphanet 2790, MedGen C0432273, MONDO:0007764, OMIM 144750.
Polycystic liver disease 4 with or without kidney cysts. Identifiers: MedGen C4693479, MONDO:0044327, OMIM 617875.
Exudative vitreoretinopathy 4 (EVR4). Identifiers: Orphanet 891, MedGen C1866176, MONDO:0011151, OMIM 601813.
Osteoporosis with pseudoglioma (OPPG). Also called: osteoporosis-pseudoglioma syndrome. Identifiers: Orphanet 2788, MedGen C0432252, MONDO:0009820, OMIM 259770.
Exudative vitreoretinopathy 1 (EVR1). Also called: CRISWICK-SCHEPENS SYNDROME; FEVR, AUTOSOMAL DOMINANT; Familial exudative vitreoretinopathy, autosomal dominant. Identifiers: Orphanet 891, Orphanet 90050, MedGen C1851402, MONDO:0007589, OMIM 133780.
Bone mineral density quantitative trait locus 1 (BMND1). Identifiers: MedGen C1866079, OMIM 601884.

Allele frequency attached by ClinVar (database versions not stated): gnomAD exomes 0.00001; ExAC 0.00002; TOPMed 0.00006; gnomAD 0.00007 and 0.00008; ESP Exome Variant Server 0.00015.
gnomAD v4.1: 34 of 1,613,378 alleles (0.0021%); highest among the groups gnomAD compares: African/African-American, 0.015%; no homozygotes.

Submissions (4):

PreventionGenetics, part of Exact Sciences
Classification: Uncertain significance for LRP5-related condition. Last evaluated: 2026-08-24. Review status: criteria provided, single submitter. Criteria: ACMG Guidelines, 2015. Collection method: clinical testing. Allele origin: germline.
Comment: The LRP5 c.4016A>G variant is predicted to result in the amino acid substitution p.Asn1339Ser. To our knowledge, this variant has not been reported in the literature. This variant is reported in 0.012% of alleles in individuals of African descent in gnomAD. At this time, the clinical significance of this variant is uncertain due to the absence of conclusive functional and genetic evidence.

Labcorp Genetics (formerly Invitae), Labcorp
Classification: Uncertain significance. Last evaluated: 2025-11-03. Review status: criteria provided, single submitter. Criteria: Invitae Variant Classification Sherloc (09022015). Collection method: clinical testing. Allele origin: germline.
Comment: This sequence change replaces asparagine, which is neutral and polar, with serine, which is neutral and polar, at codon 1339 of the LRP5 protein (p.Asn1339Ser). This variant is present in population databases (rs142001526, gnomAD 0.02%). This variant has not been reported in the literature in individuals affected with LRP5-related conditions. ClinVar contains an entry for this variant (Variation ID: 955027). Invitae Evidence Modeling of protein sequence and biophysical properties (such as structural, functional, and spatial information, amino acid conservation, physicochemical variation, residue mobility, and thermodynamic stability) indicates that this missense variant is not expected to disrupt LRP5 protein function with a negative predictive value of 95%. In summary, the available evidence is currently insufficient to determine the role of this variant in disease. Therefore, it has been classified as a Variant of Uncertain Significance.

Fulgent Genetics
Classification: Uncertain significance for Exudative vitreoretinopathy 1; Worth disease; Osteoporosis; Osteoporosis with pseudoglioma; Exudative vitreoretinopathy 4; Bone mineral density quantitative trait locus 1; Autosomal dominant osteopetrosis 1; Polycystic liver disease 4 with or without kidney cysts. Last evaluated: 2021-11-29. Review status: criteria provided, single submitter. Criteria: ACMG Guidelines, 2015. Collection method: clinical testing. Allele origin: unknown.

Ambry Genetics
Classification: Uncertain significance for Inborn genetic diseases. Last evaluated: 2021-07-15. Review status: criteria provided, single submitter. Criteria: Ambry Variant Classification Scheme 2023. Collection method: clinical testing. Allele origin: germline.